The following is an entry in ClinVar:

NM_001330260.2(SCN8A):c.4742T>C (p.Phe1581Ser)

Gene: SCN8A (sodium voltage-gated channel alpha subunit 8; plus strand). Cytogenetic location: 12q13.13.
Variant type: single nucleotide variant.
Coding change: c.4742T>C on transcript NM_001330260.2 (MANE Select); coding-DNA position 4742, T replaced by C.
Protein change: p.Phe1581Ser; replaces phenylalanine 1581 with serine.
Molecular consequence: missense variant.
Genome position (GRCh38, 1-based): chr12:51,794,588, T>C. VCF-style: chr12-51794588-T-C. GRCh37 (hg19) VCF-style: chr12-52188372-T-C.
Other names: c.4619T>C, p.Phe1540Ser (NM_001177984.3, NM_001369788.1); c.4742T>C, p.Phe1581Ser (NM_014191.4); short protein forms F1540S, F1581S.
Identifiers: ClinVar variation 3903080 (VCV003903080.1).

ClinVar aggregate classification (germline): Uncertain significance (1 of 4 stars; one submission).

Submission:

GeneDx
Classification: Uncertain significance. Last evaluated: 2024-12-16. Review status: criteria provided, single submitter. Criteria: GeneDx Variant Classification Process June 2021. Collection method: clinical testing. Allele origin: germline. Affected: yes.
Comment: Not observed at significant frequency in large population cohorts (gnomAD); In silico analysis supports that this missense variant has a deleterious effect on protein structure/function; Has not been previously published as pathogenic or benign to our knowledge; This substitution is predicted to be within the intracellular loop between the S2 and S3 transmembrane segments of the fourth homologous domain